The following is an entry in ClinVar:

ClinVar aggregate classification (germline): Pathogenic. Review status: criteria provided, multiple submitters, no conflicts (2 of 4 stars). 2 submissions from 2 submitters: Pathogenic (2). Last evaluated 2025-11-30.

Conditions:
Phenylketonuria (PKU). Also called: FOLLING DISEASE; Phenylketonurias; Phenylketonuria (PKU); OLIGOPHRENIA PHENYLPYRUVICA. Identifiers: Orphanet 716, MedGen C0031485, MONDO:0009861, OMIM 261600. Disease mechanism: loss of function.

Submissions (2):

Natera, Inc.
Classification: Pathogenic for Phenylketonuria. Last evaluated: 2025-11-30. Review status: criteria provided, single submitter. Criteria: Natera Variant Classification Schema (03/2026). Collection method: clinical testing. Allele origin: germline.
Comment: The c.23del variant in PAH is a frameshift variant predicted to shift the reading frame beginning at codon 8 and leads to a stop codon 30 codons downstream. This variant is expected to result in nonsense mediated decay, truncation, or a dysfunctional protein product. This variant is rare in the general population with a frequency below the threshold expected for the associated phenotype(s). This variant has been observed in one or more individuals affected with the associated recessive disease, as either homozygous or compound heterozygous with a second variant (PMID: 34828281). Given the available evidence, this variant is classified as Pathogenic.

Labcorp Genetics (formerly Invitae), Labcorp
Classification: Pathogenic for Phenylketonuria. Last evaluated: 2022-08-03. Review status: criteria provided, single submitter. Criteria: Invitae Variant Classification Sherloc (09022015). Collection method: clinical testing. Allele origin: germline.
Comment: For these reasons, this variant has been classified as Pathogenic. This premature translational stop signal has been observed in individual(s) with PAH-related conditions (Invitae). This variant is not present in population databases (gnomAD no frequency). This sequence change creates a premature translational stop signal (p.Asn8Thrfs*30) in the PAH gene. It is expected to result in an absent or disrupted protein product. Loss-of-function variants in PAH are known to be pathogenic (PMID: 1301187, 9634518).

Literature cited by the submitters: PubMed 34828281 (cited by Natera, Inc.); PubMed 1301187 (cited by Labcorp Genetics (formerly Invitae), Labcorp); PubMed 9634518 (cited by Labcorp Genetics (formerly Invitae), Labcorp).

NM_000277.3(PAH):c.23del (p.Asn8fs)

Gene: PAH (phenylalanine hydroxylase; minus strand). Cytogenetic location: 12q23.2.
Variant type: Deletion.
Coding change: c.23del on transcript NM_000277.3 (MANE Select); coding-DNA position 23, one base deleted (A; older notation c.23delA).
Protein change: p.Asn8fs; shifts the reading frame from asparagine 8.
Molecular consequence: frameshift variant.
Genome position (GRCh38, 1-based): chr12:102,917,108, T deleted on the plus strand (A on the coding strand, the reverse complement: PAH is on the minus strand); the first of 4 consecutive T bases (chr12:102,917,108-102,917,111); deleting any one gives the same sequence. VCF-style (leftmost placement, unchanged base first): chr12-102917107-GT-G. GRCh37 (hg19) VCF-style: chr12-103310885-GT-G.
Other names: c.23del, p.Asn8fs (NM_001354304.2); c.23del (NM_000277.2); short protein forms N8fs.
Identifiers: ClinVar variation 2096147 (VCV002096147.5), dbSNP rs2499546518, ClinGen allele CA2580085694.
Genomic context (GRCh38, chr12:102,917,107, plus strand): 5'-GCAGCTCAGGCTGCCGTGGCTCACCTGTCCAAAGTCAGAGAGTTTCCTGCCCAAGCCTGG[GT>G]TTTCCAGGACCGCAGTGGACATGCTGGCTCCCCGGGAGTGAGGTCTCTGGCTTTTTAGGG-3'